The following is an entry in ClinVar:

NM_213653.4(HJV):c.371del (p.Pro124fs)

Gene: HJV (hemojuvelin BMP co-receptor; minus strand). Cytogenetic location: 1q21.1.
Variant type: Deletion.
Coding change: c.371del on transcript NM_213653.4 (MANE Select); coding-DNA position 371, one base deleted (C; older notation c.371delC).
Protein change: p.Pro124fs; shifts the reading frame from proline 124.
Molecular consequence: frameshift variant. On other transcripts: intron variant (3).
Genome position (GRCh38, 1-based): chr1:146,019,461, G deleted on the plus strand (C on the coding strand, the reverse complement: HJV is on the minus strand); the first of 3 consecutive G bases (chr1:146,019,461-146,019,463); deleting any one gives the same sequence. VCF-style (leftmost placement, unchanged base first): chr1-146019460-AG-A. GRCh37 (hg19) VCF-style: chr1-145415549-GC-G.
Other names: c.371del, p.Pro124fs (NM_001379352.1); c.32del, p.Pro11fs (NM_145277.5); c.-21-761del (NM_213652.4); c.-22+237del (NM_202004.4, NM_001316767.2); short protein forms P124fs, P11fs.
Identifiers: ClinVar variation 1393832 (VCV001393832.6), dbSNP rs2101984855, ClinGen allele CA2573131060.

ClinVar aggregate classification (germline): Pathogenic (1 of 4 stars; one submission).

Submission:

Labcorp Genetics (formerly Invitae), Labcorp
Classification: Pathogenic. Last evaluated: 2023-03-21. Review status: criteria provided, single submitter. Criteria: Invitae Variant Classification Sherloc (09022015). Collection method: clinical testing. Allele origin: germline.
Comment: This sequence change creates a premature translational stop signal (p.Pro124Leufs*122) in the HJV gene. While this is not anticipated to result in nonsense mediated decay, it is expected to disrupt the last 303 amino acid(s) of the HJV protein. This variant is not present in population databases (gnomAD no frequency). This variant has not been reported in the literature in individuals affected with HJV-related conditions. ClinVar contains an entry for this variant (Variation ID: 1393832). This variant disrupts a region of the HJV protein in which other variant(s) (p.Arg385*) have been determined to be pathogenic (PMID: 14982873, 30389309). This suggests that this is a clinically significant region of the protein, and that variants that disrupt it are likely to be disease-causing. For these reasons, this variant has been classified as Pathogenic.

Literature cited by the submitters: PubMed 14982873; PubMed 30389309.